The following is an entry in ClinVar:

NM_003835.4(RGS9):c.298C>T (p.Leu100Phe)

Gene: RGS9 (regulator of G protein signaling 9; plus strand). Cytogenetic location: 17q24.1.
Variant type: single nucleotide variant.
Coding change: c.298C>T on transcript NM_003835.4 (MANE Select); coding-DNA position 298, C replaced by T.
Protein change: p.Leu100Phe; replaces leucine 100 with phenylalanine.
Molecular consequence: missense variant.
Genome position (GRCh38, 1-based): chr17:65,160,325, C>T. VCF-style: chr17-65160325-C-T. GRCh37 (hg19) VCF-style: chr17-63156443-C-T.
Other names: c.298C>T, p.Leu100Phe (NM_001081955.3, NM_001165933.2); short protein forms L100F.
Identifiers: ClinVar variation 1498375 (VCV001498375.5), dbSNP rs768758549, ClinGen allele CA8717580.
Genomic context (GRCh38, chr17:65,160,325, plus strand): 5'-TATGGCTACATTTACCCCCTGCAAGACCCCAAGAATCTCATTCTCAAGCCTGATGGCAGC[C>T]TCTACAGATTTCAGGTGAGTCTTGGCCTTGACCCTGGCTGTTCATATGGGGTTGATCTCA-3'
Protein context (NP_003826.2, residues 90-110): KNLILKPDGS[Leu100Phe]YRFQTPYFWP

ClinVar aggregate classification (germline): Uncertain significance (1 of 4 stars; one submission).

Allele frequency attached by ClinVar (database versions not stated): ExAC 0.00001; gnomAD exomes 0.00001.
gnomAD v4.1: 18 of 1,613,648 alleles (0.0011%); highest among the groups gnomAD compares: Middle Eastern, 0.016%; no homozygotes.

Submission:

Labcorp Genetics (formerly Invitae), Labcorp
Classification: Uncertain significance. Last evaluated: 2022-07-19. Review status: criteria provided, single submitter. Criteria: Invitae Variant Classification Sherloc (09022015). Collection method: clinical testing. Allele origin: germline.
Comment: ClinVar contains an entry for this variant (Variation ID: 1498375). In summary, the available evidence is currently insufficient to determine the role of this variant in disease. Therefore, it has been classified as a Variant of Uncertain Significance. Algorithms developed to predict the effect of missense changes on protein structure and function are either unavailable or do not agree on the potential impact of this missense change (SIFT: "Deleterious"; PolyPhen-2: "Probably Damaging"; Align-GVGD: "Class C0"). This variant has not been reported in the literature in individuals affected with RGS9-related conditions. This variant is present in population databases (rs768758549, gnomAD 0.007%). This sequence change replaces leucine, which is neutral and non-polar, with phenylalanine, which is neutral and non-polar, at codon 100 of the RGS9 protein (p.Leu100Phe).